The following is an entry in ClinVar:

NM_001031725.6(DDX59):c.10C>G (p.Pro4Ala)

Gene: DDX59 (DEAD-box helicase 59; minus strand). Cytogenetic location: 1q32.1.
Variant type: single nucleotide variant.
Coding change: c.10C>G on transcript NM_001031725.6 (MANE Select); coding-DNA position 10, C replaced by G.
Protein change: p.Pro4Ala; replaces proline 4 with alanine.
Molecular consequence: missense variant.
Genome position (GRCh38, 1-based): chr1:200,666,731, G>C on the plus strand (C>G on the coding strand, the complement: DDX59 is on the minus strand). VCF-style: chr1-200666731-G-C. GRCh37 (hg19) VCF-style: chr1-200635859-G-C.
Other names: c.10C>G, p.Pro4Ala (NM_001320181.2, NM_001320182.1, NM_001349799.3 and 5 more transcripts); short protein forms P4A.
Identifiers: ClinVar variation 4074465 (VCV004074465.1).

ClinVar aggregate classification (germline): Uncertain significance (1 of 4 stars; one submission).

Submission:

GeneDx
Classification: Uncertain significance. Last evaluated: 2025-02-06. Review status: criteria provided, single submitter. Criteria: GeneDx Variant Classification Process June 2021. Collection method: clinical testing. Allele origin: germline. Affected: yes.
Comment: Not observed at significant frequency in large population cohorts (gnomAD); In silico analysis supports that this missense variant has a deleterious effect on protein structure/function; Has not been previously published as pathogenic or benign to our knowledge